The following is an entry in ClinVar:

ClinVar aggregate classification (germline): Uncertain significance (1 of 4 stars; one submission).

Submission:

Labcorp Genetics (formerly Invitae), Labcorp
Classification: Uncertain significance. Last evaluated: 2025-05-12. Review status: criteria provided, single submitter. Criteria: Invitae Variant Classification Sherloc (09022015). Collection method: clinical testing. Allele origin: germline.
Comment: This sequence change replaces cysteine, which is neutral and slightly polar, with glycine, which is neutral and non-polar, at codon 1086 of the CYFIP2 protein (p.Cys1086Gly). This variant is not present in population databases (gnomAD no frequency). This variant has not been reported in the literature in individuals affected with CYFIP2-related conditions. ClinVar contains an entry for this variant (Variation ID: 2867080). Experimental studies and prediction algorithms are not available or were not evaluated, and the functional significance of this variant is currently unknown. In summary, the available evidence is currently insufficient to determine the role of this variant in disease. Therefore, it has been classified as a Variant of Uncertain Significance.

NM_001037333.3(CYFIP2):c.3256T>G (p.Cys1086Gly)

Genes: CYFIP2 (cytoplasmic FMR1 interacting protein 2; plus strand), NIPAL4-DT (NIPAL4 divergent transcript; minus strand). Cytogenetic location: 5q33.3.
Variant type: single nucleotide variant.
Coding change: c.3256T>G on transcript NM_001037333.3 (MANE Select); coding-DNA position 3256, T replaced by G.
Protein change: p.Cys1086Gly; replaces cysteine 1086 with glycine.
Molecular consequence: missense variant.
Genome position (GRCh38, 1-based): chr5:157,389,237, T>G. VCF-style: chr5-157389237-T-G. GRCh37 (hg19) VCF-style: chr5-156816245-T-G.
Other names: c.3178T>G, p.Cys1060Gly (NM_001291721.2); c.3331T>G, p.Cys1111Gly (NM_001291722.2); c.3256T>G, p.Cys1086Gly (NM_014376.4); short protein forms C1060G, C1086G, C1111G.
Identifiers: ClinVar variation 2867080 (VCV002867080.3), dbSNP rs1581210153, ClinGen allele CA361981997.
Genomic context (GRCh38, chr5:157,389,237, plus strand): 5'-TTCTGTTTCCAGCAAATCGCCATTGCTCGCGAGGGTGACCTCCTGACCAAGGAGCGGCTG[T>G]GCTGTGGCCTGTCCATGTTCGAGGTCATCCTGACCCGCATTCGGAGCTACCTGCAGGACC-3'
Protein context (NP_001032410.1, residues 1076-1096): EGDLLTKERL[Cys1086Gly]CGLSMFEVIL